The following is an entry in ClinVar:

ClinVar aggregate classification (germline): Uncertain significance. Review status: criteria provided, multiple submitters, no conflicts (2 of 4 stars). 2 submissions from 2 submitters: Uncertain significance (2). Last evaluated 2024-12-09.

Conditions:
Inborn genetic diseases. Identifiers: MedGen C0950123, MeSH D030342.

Allele frequency attached by ClinVar (database versions not stated): ExAC 0.00003; gnomAD exomes 0.00004 and 0.00010; gnomAD 0.00005 and 0.00006; TOPMed 0.00005.
gnomAD v4.1: 35 of 1,613,932 alleles (0.0022%); highest among the groups gnomAD compares: Admixed American, 0.057%; no homozygotes.

Submissions (2):

Labcorp Genetics (formerly Invitae), Labcorp
Classification: Uncertain significance. Last evaluated: 2024-12-09. Review status: criteria provided, single submitter. Criteria: Invitae Variant Classification Sherloc (09022015). Collection method: clinical testing. Allele origin: germline.
Comment: This sequence change replaces glutamic acid, which is acidic and polar, with glutamine, which is neutral and polar, at codon 1787 of the DOCK6 protein (p.Glu1787Gln). This variant is present in population databases (rs779780611, gnomAD 0.07%). This variant has not been reported in the literature in individuals affected with DOCK6-related conditions. ClinVar contains an entry for this variant (Variation ID: 1411063). An algorithm developed to predict the effect of missense changes on protein structure and function (PolyPhen-2) suggests that this variant is likely to be disruptive. In summary, the available evidence is currently insufficient to determine the role of this variant in disease. Therefore, it has been classified as a Variant of Uncertain Significance.

Ambry Genetics
Classification: Uncertain significance for Inborn genetic diseases. Last evaluated: 2021-08-02. Review status: criteria provided, single submitter. Criteria: Ambry Variant Classification Scheme 2023. Collection method: clinical testing. Allele origin: germline.

NM_020812.4(DOCK6):c.5359G>C (p.Glu1787Gln)

Gene: DOCK6 (dedicator of cytokinesis 6; minus strand). Cytogenetic location: 19p13.2.
Variant type: single nucleotide variant.
Coding change: c.5359G>C on transcript NM_020812.4 (MANE Select); coding-DNA position 5359, G replaced by C.
Protein change: p.Glu1787Gln; replaces glutamic acid 1787 with glutamine.
Molecular consequence: missense variant.
Genome position (GRCh38, 1-based): chr19:11,202,586, C>G on the plus strand (G>C on the coding strand, the complement: DOCK6 is on the minus strand). VCF-style: chr19-11202586-C-G. GRCh37 (hg19) VCF-style: chr19-11313262-C-G.
Other names: c.5464G>C, p.Glu1822Gln (NM_001367830.1); c.5359G>C (NM_020812.2); short protein forms E1787Q, E1822Q.
Identifiers: ClinVar variation 1411063 (VCV001411063.5), dbSNP rs779780611, ClinGen allele CA9206521.